The following is an entry in ClinVar:

ClinVar aggregate classification (germline): Uncertain significance (1 of 4 stars; one submission).

Conditions:
Combined oxidative phosphorylation defect type 27. Also called: Combined oxidative phosphorylation deficiency 27. Identifiers: Orphanet 477774, MedGen C5567608, MONDO:0014728, OMIM 616672.

Submission:

Labcorp Genetics (formerly Invitae), Labcorp
Classification: Uncertain significance for Combined oxidative phosphorylation defect type 27. Last evaluated: 2020-04-06. Review status: criteria provided, single submitter. Criteria: Invitae Variant Classification Sherloc (09022015). Collection method: clinical testing. Allele origin: germline.
Comment: This variant has not been reported in the literature in individuals with CARS2-related conditions. This sequence change replaces histidine with arginine at codon 294 of the CARS2 protein (p.His294Arg). The histidine residue is highly conserved and there is a small physicochemical difference between histidine and arginine. This variant is not present in population databases (ExAC no frequency). Algorithms developed to predict the effect of missense changes on protein structure and function are either unavailable or do not agree on the potential impact of this missense change (SIFT: "Tolerated"; PolyPhen-2: "Probably Damaging"; Align-GVGD: "Class C0"). Algorithms developed to predict the effect of sequence changes on RNA splicing suggest that this variant may create or strengthen a splice site, but this prediction has not been confirmed by published transcriptional studies. In summary, the available evidence is currently insufficient to determine the role of this variant in disease. Therefore, it has been classified as a Variant of Uncertain Significance.

NM_024537.4(CARS2):c.881A>G (p.His294Arg)

Gene: CARS2 (cysteinyl-tRNA synthetase 2, mitochondrial; minus strand). Cytogenetic location: 13q34.
Variant type: single nucleotide variant.
Coding change: c.881A>G on transcript NM_024537.4 (MANE Select); coding-DNA position 881, A replaced by G.
Protein change: p.His294Arg; replaces histidine 294 with arginine.
Molecular consequence: missense variant. On other transcripts: non-coding transcript variant (2).
Genome position (GRCh38, 1-based): chr13:110,667,378, T>C on the plus strand (A>G on the coding strand, the complement: CARS2 is on the minus strand). VCF-style: chr13-110667378-T-C. GRCh37 (hg19) VCF-style: chr13-111319725-T-C.
Other names: c.95A>G, p.His32Arg (NM_001352252.2); c.881A>G, p.His294Arg (NM_001352253.3); short protein forms H294R, H32R.
Identifiers: ClinVar variation 1062380 (VCV001062380.10), dbSNP rs1209069182, ClinGen allele CA388750371.